The following is an entry in ClinVar:

NM_033380.3(COL4A5):c.3845G>A (p.Gly1282Glu)

Gene: COL4A5 (collagen type IV alpha 5 chain; plus strand). Cytogenetic location: Xq22.3.
Variant type: single nucleotide variant.
Coding change: c.3845G>A on transcript NM_033380.3 (MANE Select); coding-DNA position 3845, G replaced by A.
Protein change: p.Gly1282Glu; replaces glycine 1282 with glutamic acid.
Molecular consequence: missense variant.
Genome position (GRCh38, 1-based): chrX:108,677,536, G>A. VCF-style: chrX-108677536-G-A. GRCh37 (hg19) VCF-style: chrX-107920766-G-A.
Other names: c.3827G>A, p.Gly1276Glu (NM_000495.5); short protein forms G1276E, G1282E.
Identifiers: ClinVar variation 4532143 (VCV004532143.1).

ClinVar aggregate classification (germline): Likely pathogenic (1 of 4 stars; one submission).

Conditions:
X-linked Alport syndrome (ATS1). Also called: NEPHROPATHY AND DEAFNESS, X-LINKED; COL4A5-Related Nephropathy. Identifiers: Orphanet 63, Orphanet 88917, MedGen C4746986, MONDO:0010520, OMIM 301050.

Submission:

Victorian Clinical Genetics Services, Murdoch Childrens Research Institute
Classification: Likely pathogenic for X-linked Alport syndrome. Last evaluated: 2024-12-19. Review status: criteria provided, single submitter. Criteria: ACMG Guidelines, 2015. Collection method: clinical testing. Allele origin: germline.
Comment: This variant is classified as Likely pathogenic. Evidence in support of pathogenic classification: Variant is present in gnomAD <0.001 for a dominant condition (v2: 0 heterozygote(s), 0 homozygote(s), 1 hemizygote(s)) ; Other missense variant(s) comparable to the one identified in this case have moderate previous evidence for pathogenicity. p.(Gly1282Arg) has been classified as likely pathogenic by a clinical laboratory on ClinVar, and p.(Gly1282Val) has been observed in an individual with Alport syndrome (LOVD); Variant is located in the well-established triple helical G-X-Y repeat region and affects a glycine residue (DECIPHER); Missense variant predicted to be damaging by in silico tool(s) or highly conserved with a major amino acid change. Additional information: Variant is predicted to result in a missense amino acid change from glycine to glutamic acid; This variant is heterozygous; This gene is associated with X-linked dominant disease. Males are typically more severely affected than females (PMID: 19965530); This variant has no previous evidence of pathogenicity; No published segregation evidence has been identified for this variant; No published functional evidence has been identified for this variant; Dominant negative and loss of function are known mechanisms of disease in this gene and are associated with X-linked Alport syndrome 1 (MIM#301050). Dominant negative is caused mostly by glycine substitutions that affect the conformation of the protein, and loss of function can be caused by either protein truncating or missense variants (PMID: 24046192, 12028435); Variants in this gene are known to have variable expressivity. There is intrafamilial variability among affected carrier females, possibly due to variable X-inactivation (PMID: 14514738).

Literature cited by the submitters: PubMed 19965530; PubMed 24046192; PubMed 12028435; PubMed 14514738.